The following is an entry in ClinVar:

NM_032119.4(ADGRV1):c.1199T>C (p.Phe400Ser)

Gene: ADGRV1 (adhesion G protein-coupled receptor V1; plus strand). Cytogenetic location: 5q14.3.
Variant type: single nucleotide variant.
Coding change: c.1199T>C on transcript NM_032119.4 (MANE Select); coding-DNA position 1199, T replaced by C.
Protein change: p.Phe400Ser; replaces phenylalanine 400 with serine.
Molecular consequence: missense variant. On other transcripts: non-coding transcript variant (1).
Genome position (GRCh38, 1-based): chr5:90,627,737, T>C. VCF-style: chr5-90627737-T-C. GRCh37 (hg19) VCF-style: chr5-89923554-T-C.
Other names: short protein forms F400S.
Identifiers: ClinVar variation 1009659 (VCV001009659.8), dbSNP rs1764959120, ClinGen allele CA360370382.

ClinVar aggregate classification (germline): Uncertain significance (1 of 4 stars; one submission).

Allele frequency attached by ClinVar (database versions not stated): gnomAD 0.00001.
gnomAD v4.1: 2 of 1,586,936 alleles (0.00013%); highest among the groups gnomAD compares: African/African-American, 0.0027%; no homozygotes.

Submission:

Labcorp Genetics (formerly Invitae), Labcorp
Classification: Uncertain significance. Last evaluated: 2022-07-26. Review status: criteria provided, single submitter. Criteria: Invitae Variant Classification Sherloc (09022015). Collection method: clinical testing. Allele origin: germline.
Comment: In summary, the available evidence is currently insufficient to determine the role of this variant in disease. Therefore, it has been classified as a Variant of Uncertain Significance. Algorithms developed to predict the effect of missense changes on protein structure and function (SIFT, PolyPhen-2, Align-GVGD) all suggest that this variant is likely to be disruptive. ClinVar contains an entry for this variant (Variation ID: 1009659). This variant has not been reported in the literature in individuals affected with ADGRV1-related conditions. This variant is not present in population databases (gnomAD no frequency). This sequence change replaces phenylalanine, which is neutral and non-polar, with serine, which is neutral and polar, at codon 400 of the ADGRV1 protein (p.Phe400Ser).